The following is an entry in ClinVar:

NM_017654.4(SAMD9):c.2575C>A (p.Pro859Thr)

Gene: SAMD9 (sterile alpha motif domain containing 9; minus strand). Cytogenetic location: 7q21.2.
Variant type: single nucleotide variant.
Coding change: c.2575C>A on transcript NM_017654.4 (MANE Select); coding-DNA position 2575, C replaced by A.
Protein change: p.Pro859Thr; replaces proline 859 with threonine.
Molecular consequence: missense variant.
Genome position (GRCh38, 1-based): chr7:93,103,523, G>T on the plus strand (C>A on the coding strand, the complement: SAMD9 is on the minus strand). VCF-style: chr7-93103523-G-T. GRCh37 (hg19) VCF-style: chr7-92732836-G-T.
Other names: c.2575C>A, p.Pro859Thr (NM_001193307.2); short protein forms P859T.
Identifiers: ClinVar variation 3678939 (VCV003678939.2).

ClinVar aggregate classification (germline): Uncertain significance (1 of 4 stars; one submission).

gnomAD v4.1: 7 of 1,613,652 alleles (0.00043%); highest among the groups gnomAD compares: South Asian, 0.0077%; no homozygotes.

Submission:

Labcorp Genetics (formerly Invitae), Labcorp
Classification: Uncertain significance. Last evaluated: 2024-10-12. Review status: criteria provided, single submitter. Criteria: Invitae Variant Classification Sherloc (09022015). Collection method: clinical testing. Allele origin: germline.
Comment: This sequence change replaces proline, which is neutral and non-polar, with threonine, which is neutral and polar, at codon 859 of the SAMD9 protein (p.Pro859Thr). This variant is present in population databases (rs765143310, gnomAD 0.01%). This variant has not been reported in the literature in individuals affected with SAMD9-related conditions. Invitae Evidence Modeling of protein sequence and biophysical properties (such as structural, functional, and spatial information, amino acid conservation, physicochemical variation, residue mobility, and thermodynamic stability) indicates that this missense variant is not expected to disrupt SAMD9 protein function with a negative predictive value of 95%. In summary, the available evidence is currently insufficient to determine the role of this variant in disease. Therefore, it has been classified as a Variant of Uncertain Significance.